The following is an entry in ClinVar:

ClinVar aggregate classification (germline): Uncertain significance (1 of 4 stars; one submission).

Allele frequency attached by ClinVar (database versions not stated): gnomAD exomes below 0.00001; TOPMed below 0.00001; ExAC 0.00001; ESP Exome Variant Server 0.00008.
gnomAD v4.1: 4 of 1,585,840 alleles (0.00025%); highest among the groups gnomAD compares: East Asian, 0.0022%; no homozygotes.

Submission:

Labcorp Genetics (formerly Invitae), Labcorp
Classification: Uncertain significance. Last evaluated: 2022-08-31. Review status: criteria provided, single submitter. Criteria: Invitae Variant Classification Sherloc (09022015). Collection method: clinical testing. Allele origin: germline.
Comment: This sequence change replaces alanine, which is neutral and non-polar, with threonine, which is neutral and polar, at codon 3561 of the MACF1 protein (p.Ala3561Thr). This variant is present in population databases (rs377337112, gnomAD 0.006%). This variant has not been reported in the literature in individuals affected with MACF1-related conditions. Algorithms developed to predict the effect of missense changes on protein structure and function are either unavailable or do not agree on the potential impact of this missense change (SIFT: "Tolerated"; PolyPhen-2: "Probably Damaging"; Align-GVGD: "Class C0"). In summary, the available evidence is currently insufficient to determine the role of this variant in disease. Therefore, it has been classified as a Variant of Uncertain Significance.

NM_001394062.1(MACF1):c.16867G>A (p.Ala5623Thr)

Gene: MACF1 (microtubule actin crosslinking factor 1; plus strand). Cytogenetic location: 1p34.3.
Variant type: single nucleotide variant.
Coding change: c.16867G>A on transcript NM_001394062.1 (MANE Select); coding-DNA position 16867, G replaced by A.
Protein change: p.Ala5623Thr; replaces alanine 5623 with threonine.
Molecular consequence: missense variant.
Genome position (GRCh38, 1-based): chr1:39,429,305, G>A. VCF-style: chr1-39429305-G-A. GRCh37 (hg19) VCF-style: chr1-39894977-G-A.
Other names: c.4936G>A, p.Ala1646Thr (NM_001397473.1); c.10681G>A, p.Ala3561Thr (NM_012090.5); short protein forms A1646T, A3561T, A5623T.
Identifiers: ClinVar variation 1957995 (VCV001957995.5), dbSNP rs377337112, ClinGen allele CA783449.